The following is an entry in ClinVar:

NM_133497.4(KCNV2):c.638G>C (p.Arg213Pro)

Gene: KCNV2 (potassium voltage-gated channel modifier subfamily V member 2; plus strand). Cytogenetic location: 9p24.2.
Variant type: single nucleotide variant.
Coding change: c.638G>C on transcript NM_133497.4 (MANE Select); coding-DNA position 638, G replaced by C.
Protein change: p.Arg213Pro; replaces arginine 213 with proline.
Molecular consequence: missense variant.
Genome position (GRCh38, 1-based): chr9:2,718,377, G>C. VCF-style: chr9-2718377-G-C. GRCh37 (hg19) VCF-style: chr9-2718377-G-C.
Other names: short protein forms R213P.
Identifiers: ClinVar variation 1405891 (VCV001405891.7), dbSNP rs776807664, ClinGen allele CA4965548.

ClinVar aggregate classification (germline): Uncertain significance. Review status: criteria provided, multiple submitters, no conflicts (2 of 4 stars). 2 submissions from 2 submitters: Uncertain significance (2). Last evaluated 2024-09-24.

gnomAD v4.1: 185 of 1,599,790 alleles (0.012%); highest among the groups gnomAD compares: Non-Finnish European, 0.014%; no homozygotes.

Submissions (2):

Blueprint Genetics
Classification: Uncertain significance. Last evaluated: 2024-09-24. Review status: criteria provided, single submitter. Criteria: ACMG Guidelines, 2015. Collection method: clinical testing. Allele origin: germline.

Labcorp Genetics (formerly Invitae), Labcorp
Classification: Uncertain significance. Last evaluated: 2023-07-21. Review status: criteria provided, single submitter. Criteria: Invitae Variant Classification Sherloc (09022015). Collection method: clinical testing. Allele origin: germline.
Comment: This sequence change replaces arginine, which is basic and polar, with proline, which is neutral and non-polar, at codon 213 of the KCNV2 protein (p.Arg213Pro). This variant is present in population databases (rs776807664, gnomAD 0.02%). This missense change has been observed in individual(s) with cone dystrophy (PMID: 17896311). ClinVar contains an entry for this variant (Variation ID: 1405891). Advanced modeling of protein sequence and biophysical properties (such as structural, functional, and spatial information, amino acid conservation, physicochemical variation, residue mobility, and thermodynamic stability) performed at Invitae indicates that this missense variant is not expected to disrupt KCNV2 protein function. In summary, the available evidence is currently insufficient to determine the role of this variant in disease. Therefore, it has been classified as a Variant of Uncertain Significance.

Literature cited by the submitters: PubMed 17896311 (cited by Labcorp Genetics (formerly Invitae), Labcorp).